The following is an entry in ClinVar:

NM_000180.4(GUCY2D):c.3138+6G>T

Gene: GUCY2D (guanylate cyclase 2D, retinal; plus strand). Cytogenetic location: 17p13.1.
Variant type: single nucleotide variant.
Coding change: c.3138+6G>T on transcript NM_000180.4 (MANE Select); 6 bases into the intron after coding-DNA position 3138, G replaced by T.
Molecular consequence: intron variant.
Genome position (GRCh38, 1-based): chr17:8,016,027, G>T. VCF-style: chr17-8016027-G-T. GRCh37 (hg19) VCF-style: chr17-7919345-G-T.
Identifiers: ClinVar variation 955359 (VCV000955359.7), dbSNP rs937146348, ClinGen allele CA287534575.
Genomic context (GRCh38, chr17:8,016,027, plus strand): 5'-CCGTGCTCTGGACTCGGGCTACCAGGTGGAGCTGCGAGGCCGCACGGAGCTGAAGGTGAG[G>T]CAGGGCCCCAACCCCTCCCGGAGGCCCCGCCCTGTCCTGAGGCACCGCCCATCCCGGGCC-3'

ClinVar aggregate classification (germline): Uncertain significance (1 of 4 stars; one submission).

Conditions:
Cone-rod dystrophy 6 (CORD6). Also called: RETINAL CONE DYSTROPHY 2; Cone dystrophy progressive. Identifiers: Orphanet 1872, MedGen C1866293, MONDO:0011143, OMIM 601777.
Leber congenital amaurosis 1 (LCA1). Also called: AMAUROSIS CONGENITA OF LEBER I; RETINAL BLINDNESS, CONGENITAL; Congenital absence of the rods and cones; Leber's congenital tapetoretinal degeneration; Leber's congenital tapetoretinal dysplasia. Identifiers: Orphanet 65, MedGen C2931258, MONDO:0008764, OMIM 204000.

Allele frequency attached by ClinVar (database versions not stated): gnomAD 0.00001; TOPMed 0.00002.

Submission:

Labcorp Genetics (formerly Invitae), Labcorp
Classification: Uncertain significance for Leber congenital amaurosis 1; Cone-rod dystrophy 6. Last evaluated: 2024-10-15. Review status: criteria provided, single submitter. Criteria: Invitae Variant Classification Sherloc (09022015). Collection method: clinical testing. Allele origin: germline.
Comment: This sequence change falls in intron 17 of the GUCY2D gene. It does not directly change the encoded amino acid sequence of the GUCY2D protein. It affects a nucleotide within the consensus splice site. This variant is not present in population databases (gnomAD no frequency). This variant has not been reported in the literature in individuals affected with GUCY2D-related conditions. ClinVar contains an entry for this variant (Variation ID: 955359). Variants that disrupt the consensus splice site are a relatively common cause of aberrant splicing (PMID: 17576681, 9536098). Algorithms developed to predict the effect of sequence changes on RNA splicing suggest that this variant is not likely to affect RNA splicing. In summary, the available evidence is currently insufficient to determine the role of this variant in disease. Therefore, it has been classified as a Variant of Uncertain Significance.

Literature cited by the submitters: PubMed 17576681; PubMed 9536098.